The following is an entry in ClinVar:

NM_006514.4(SCN10A):c.410C>T (p.Thr137Met)

Gene: SCN10A (sodium voltage-gated channel alpha subunit 10; minus strand). Cytogenetic location: 3p22.2.
Variant type: single nucleotide variant.
Coding change: c.410C>T on transcript NM_006514.4 (MANE Select); coding-DNA position 410, C replaced by T.
Protein change: p.Thr137Met; replaces threonine 137 with methionine.
Molecular consequence: missense variant.
Genome position (GRCh38, 1-based): chr3:38,789,016, G>A on the plus strand (C>T on the coding strand, the complement: SCN10A is on the minus strand). VCF-style: chr3-38789016-G-A. GRCh37 (hg19) VCF-style: chr3-38830507-G-A.
Other names: c.410C>T (NM_006514.2); c.410C>T, p.Thr137Met (NM_001293306.2, NM_001293307.2); short protein forms T137M.
Identifiers: ClinVar variation 463256 (VCV000463256.10), dbSNP rs148663098, ClinGen allele CA2321212.
Genomic context (GRCh38, chr3:38,789,016, plus strand): 5'-TCAATTTTCTCTGGAAGGTCAGTTCGGGTCATGCACACACAATTAACCAAAATAGTGACC[G>A]TAATAAATAAACTGAACCACCTGAAAGGCCTGTGTTAAGGAAAAGCTGAGATCACCAAGT-3'
Protein context (NP_006505.4, residues 127-147): SVHSWFSLFI[Thr137Met]VTILVNCVCM

ClinVar aggregate classification (germline): Uncertain significance. Review status: criteria provided, multiple submitters, no conflicts (2 of 4 stars). 5 submissions from 5 submitters: Uncertain significance (5). Last evaluated 2026-05-27.

Conditions:
Cardiovascular phenotype. Identifiers: MedGen CN230736.
SCN10A-related disorder. Also called: SCN10A-related condition.
Brugada syndrome. Also called: Sudden unexpected nocturnal death syndrome; Sudden unexplained nocturnal death syndrome; Sudden Unexplained Death Syndrome; Sudden Unexplained Nocturnal Death Syndrome (SUNDS). Identifiers: Orphanet 130, MedGen C1142166, MONDO:0015263.
Brugada syndrome 1 (BRGDA1). Also called: RIGHT BUNDLE BRANCH BLOCK, ST SEGMENT ELEVATION, AND SUDDEN DEATH SYNDROME. Identifiers: Orphanet 130, MedGen C4551804, MONDO:0011001, OMIM 601144.

Allele frequency attached by ClinVar (database versions not stated): gnomAD 0.00001 and 0.00002; gnomAD exomes 0.00001; ExAC 0.00002; TOPMed 0.00004; ESP Exome Variant Server 0.00008.

Submissions (5):

PreventionGenetics, part of Exact Sciences
Classification: Uncertain significance for SCN10A-related condition. Last evaluated: 2026-05-27. Review status: criteria provided, single submitter. Criteria: ACMG Guidelines, 2015. Collection method: clinical testing. Allele origin: germline.
Comment: The SCN10A c.410C>T variant is predicted to result in the amino acid substitution p.Thr137Met. This variant has been reported in an individual with Brugada syndrome (Hu et al. 2014. PubMed ID: 24998131). This variant is reported in 0.0026% of alleles in individuals of European (Non-Finnish) descent in gnomAD. At this time, the clinical significance of this variant is uncertain due to the absence of conclusive functional and genetic evidence.

Labcorp Genetics (formerly Invitae), Labcorp
Classification: Uncertain significance for Brugada syndrome. Last evaluated: 2026-01-28. Review status: criteria provided, single submitter. Criteria: Invitae Variant Classification Sherloc (09022015). Collection method: clinical testing. Allele origin: germline.
Comment: This sequence change replaces threonine, which is neutral and polar, with methionine, which is neutral and non-polar, at codon 137 of the SCN10A protein (p.Thr137Met). This variant is present in population databases (rs148663098, gnomAD 0.003%). This missense change has been observed in individual(s) with Brugada syndrome (PMID: 24998131). ClinVar contains an entry for this variant (Variation ID: 463256). Invitae Evidence Modeling of protein sequence and biophysical properties (such as structural, functional, and spatial information, amino acid conservation, physicochemical variation, residue mobility, and thermodynamic stability) indicates that this missense variant is not expected to disrupt SCN10A protein function with a negative predictive value of 80%. In summary, the available evidence is currently insufficient to determine the role of this variant in disease. Therefore, it has been classified as a Variant of Uncertain Significance.

Ambry Genetics
Classification: Uncertain significance for Cardiovascular phenotype. Last evaluated: 2023-09-23. Review status: criteria provided, single submitter. Criteria: Ambry Variant Classification Scheme 2023. Collection method: clinical testing. Allele origin: germline.
Comment: The p.T137M variant (also known as c.410C>T), located in coding exon 3 of the SCN10A gene, results from a C to T substitution at nucleotide position 410. The threonine at codon 137 is replaced by methionine, an amino acid with similar properties. This alteration has been reported in a Brugada syndrome cohort, as well as an autism spectrum disorder whole exome sequencing cohort (Hu D et al. J Am Coll Cardiol, 2014 Jul;64:66-79; Abou Ziki MD et al. Clin Genet, 2018 04;93:741-751; Patowary A et al. Transl Psychiatry, 2019 01;9:4). This amino acid position is not well conserved in available vertebrate species, and methionine is the reference amino acid in other vertebrate species. In addition, the in silico prediction for this alteration is inconclusive. Since supporting evidence is limited at this time, the clinical significance of this alteration remains unclear.

GeneDx
Classification: Uncertain significance. Last evaluated: 2020-02-26. Review status: criteria provided, single submitter. Criteria: GeneDx Variant Classification Process June 2021. Collection method: clinical testing. Allele origin: germline. Affected: yes.
Comment: Reported in ClinVar as a variant of uncertain significance (ClinVar Variant ID# 463256; Landrum et al., 2016); Not observed at a significant frequency in large population cohorts (Lek et al., 2016); At the protein level, in silico analysis supports that this missense variant does not alter protein structure/function; This variant is associated with the following publications: (PMID: 24998131, 28407228, 30821013)

Neuberg Centre For Genomic Medicine, NCGM
Classification: Uncertain significance for Brugada syndrome 1. Review status: criteria provided, single submitter. Criteria: ACMG Guidelines, 2015. Collection method: clinical testing. Allele origin: germline. Inheritance: Autosomal dominant inheritance. Affected: yes.

Literature cited by the submitters: PubMed 24998131 (cited by Labcorp Genetics (formerly Invitae), Labcorp and Ambry Genetics); PubMed 28407228 (cited by Ambry Genetics); PubMed 30664616 (cited by Ambry Genetics).